The following is an entry in ClinVar:

Conditions:
Breast-ovarian cancer, familial, susceptibility to, 1 (BROVCA1). Also called: BRCA1 Hereditary Breast and Ovarian Cancer; OVARIAN CANCER, SUSCEPTIBILITY TO. Identifiers: Orphanet 145, MedGen C2676676, MONDO:0011450, OMIM 604370. Disease mechanism: loss of function.

Submission:

Brotman Baty Institute, University of Washington
No classification provided (evidence only). Condition: Breast-ovarian cancer, familial 1. Review status: no classification provided. Collection method: in vitro. Allele origin: not applicable. Functional consequence: functionally_normal.
ClinVar note: "not provided" was previously submitted as the classification for the variant. However, the classification appeared to be based only on an observation of functional data so it was converted to no classification on 2025-07-30.

NM_007294.4(BRCA1):c.4958T>G (p.Val1653Gly)

Gene: BRCA1 (BRCA1 DNA repair associated; minus strand). Cytogenetic location: 17q21.31.
Variant type: single nucleotide variant.
Coding change: c.4958T>G on transcript NM_007294.4 (MANE Select); coding-DNA position 4958, T replaced by G.
Protein change: p.Val1653Gly; replaces valine 1653 with glycine.
Molecular consequence: missense variant. On other transcripts: non-coding transcript variant (1).
Genome position (GRCh38, 1-based): chr17:43,070,956, A>C on the plus strand (T>G on the coding strand, the complement: BRCA1 is on the minus strand). VCF-style: chr17-43070956-A-C. GRCh37 (hg19) VCF-style: chr17-41222973-A-C.
Other names: c.4745T>G, p.Val1582Gly (NM_001407571.1, NM_001407894.1, NM_001407895.1 and 12 more transcripts); c.5024T>G, p.Val1675Gly (NM_001407581.1, NM_001407582.1); c.5021T>G, p.Val1674Gly (NM_001407583.1, NM_001407585.1, NM_001407587.1 and 1 more transcripts); c.5018T>G, p.Val1673Gly (NM_001407590.1, NM_001407591.1); c.4958T>G, p.Val1653Gly (NM_001407593.1, NM_001407594.1, NM_001407596.1 and 8 more transcripts); c.4955T>G, p.Val1652Gly (NM_001407619.1, NM_001407620.1, NM_001407621.1 and 17 more transcripts); c.4952T>G, p.Val1651Gly (NM_001407627.1, NM_001407638.1, NM_001407639.1 and 14 more transcripts); c.4949T>G, p.Val1650Gly (NM_001407644.1, NM_001407645.1); and 70 more; short protein forms V1674G, V549G, V1653G, V1606G, V1356G, V1484G, V1525G, V1526G.
Identifiers: ClinVar variation 868877 (VCV000868877.3), dbSNP rs2052363535, ClinGen allele CA10591606.